The following is an entry in ClinVar:

ClinVar aggregate classification (germline): Uncertain significance (1 of 4 stars; one submission).

gnomAD v4.1: 2 of 1,613,982 alleles (0.00012%); highest among the groups gnomAD compares: Admixed American, 0.0033%; no homozygotes.

Submission:

Labcorp Genetics (formerly Invitae), Labcorp
Classification: Uncertain significance. Last evaluated: 2022-04-21. Review status: criteria provided, single submitter. Criteria: Invitae Variant Classification Sherloc (09022015). Collection method: clinical testing. Allele origin: germline.
Comment: This sequence change replaces arginine, which is basic and polar, with leucine, which is neutral and non-polar, at codon 389 of the FREM2 protein (p.Arg389Leu). This variant is present in population databases (no rsID available, gnomAD 0.003%). This variant has not been reported in the literature in individuals affected with FREM2-related conditions. Algorithms developed to predict the effect of missense changes on protein structure and function are either unavailable or do not agree on the potential impact of this missense change (SIFT: "Deleterious"; PolyPhen-2: "Benign"; Align-GVGD: "Class C0"). In summary, the available evidence is currently insufficient to determine the role of this variant in disease. Therefore, it has been classified as a Variant of Uncertain Significance.

NM_207361.6(FREM2):c.1166G>T (p.Arg389Leu)

Gene: FREM2 (FRAS1 related extracellular matrix 2; plus strand). Cytogenetic location: 13q13.3.
Variant type: single nucleotide variant.
Coding change: c.1166G>T on transcript NM_207361.6 (MANE Select); coding-DNA position 1166, G replaced by T.
Protein change: p.Arg389Leu; replaces arginine 389 with leucine.
Molecular consequence: missense variant.
Genome position (GRCh38, 1-based): chr13:38,688,510, G>T. VCF-style: chr13-38688510-G-T. GRCh37 (hg19) VCF-style: chr13-39262647-G-T.
Other names: short protein forms R389L.
Identifiers: ClinVar variation 1941912 (VCV001941912.2), dbSNP rs1454498736, ClinGen allele CA387885118.